The following is an entry in ClinVar:

NM_003579.4(RAD54L):c.1078C>G (p.Pro360Ala)

Gene: RAD54L (RAD54 like; plus strand). Cytogenetic location: 1p34.1.
Variant type: single nucleotide variant.
Coding change: c.1078C>G on transcript NM_003579.4 (MANE Select); coding-DNA position 1078, C replaced by G.
Protein change: p.Pro360Ala; replaces proline 360 with alanine.
Molecular consequence: missense variant.
Genome position (GRCh38, 1-based): chr1:46,270,694, C>G. VCF-style: chr1-46270694-C-G. GRCh37 (hg19) VCF-style: chr1-46736366-C-G.
Other names: c.1078C>G, p.Pro360Ala (NM_001142548.2); c.538C>G, p.Pro180Ala (NM_001370766.1); short protein forms P360A, P180A.
Identifiers: ClinVar variation 1785423 (VCV001785423.2), dbSNP rs925331220, ClinGen allele CA21896198.

ClinVar aggregate classification (germline): Uncertain significance (1 of 4 stars; one submission).

Allele frequency attached by ClinVar (database versions not stated): TOPMed 0.00001.

Submission:

Ambry Genetics
Classification: Uncertain significance. Last evaluated: 2022-09-11. Review status: criteria provided, single submitter. Criteria: Ambry Variant Classification Scheme 2023. Collection method: clinical testing. Allele origin: germline.
Comment: The p.P360A variant (also known as c.1078C>G), located in coding exon 10 of the RAD54L gene, results from a C to G substitution at nucleotide position 1078. The proline at codon 360 is replaced by alanine, an amino acid with highly similar properties. This amino acid position is conserved. In addition, this alteration is predicted to be deleterious by in silico analysis. Since supporting evidence is limited at this time, the clinical significance of this alteration remains unclear.